The following is an entry in ClinVar:

ClinVar aggregate classification (germline): Benign (1 of 4 stars; one submission).

Conditions:
Sessile serrated polyposis cancer syndrome (SSPCS). Identifiers: Orphanet 157798, MedGen C4310714, MONDO:0014919, OMIM 617108.

Submission:

Myriad Genetics, Inc.
Classification: Benign for Sessile serrated polyposis cancer syndrome. Last evaluated: 2026-06-29. Review status: criteria provided, single submitter. Criteria: Myriad Autosomal Dominant, Autosomal Recessive and X-Linked Classification Criteria (2023). Collection method: clinical testing. Allele origin: unknown.
Comment: This variant is considered benign. This variant is a silent/synonymous amino acid change and it is not expected to impact splicing.

NM_017763.6(RNF43):c.444T>C (p.Ala148=)

Gene: RNF43 (ring finger protein 43; minus strand). Cytogenetic location: 17q22.
Variant type: single nucleotide variant.
Coding change: c.444T>C on transcript NM_017763.6 (MANE Select); coding-DNA position 444, T replaced by C.
Protein change: p.Ala148=; no amino-acid change (alanine 148 retained).
Molecular consequence: synonymous variant.
Genome position (GRCh38, 1-based): chr17:58,363,532, A>G on the plus strand (T>C on the coding strand, the complement: RNF43 is on the minus strand). VCF-style: chr17-58363532-A-G. GRCh37 (hg19) VCF-style: chr17-56440893-A-G.
Other names: c.444T>C, p.Ala148= (NM_001305544.3, NM_001438820.1, NM_001438821.1 and 1 more transcripts); c.63T>C, p.Ala21= (NM_001305545.2, NM_001437987.1).
Identifiers: ClinVar variation 4875711 (VCV004875711.1).